The following is an entry in ClinVar:

NM_001754.5(RUNX1):c.1267C>T (p.Arg423Cys)

Gene: RUNX1 (RUNX family transcription factor 1; minus strand). Cytogenetic location: 21q22.12.
Variant type: single nucleotide variant.
Coding change: c.1267C>T on transcript NM_001754.5 (MANE Select); coding-DNA position 1267, C replaced by T.
Protein change: p.Arg423Cys; replaces arginine 423 with cysteine.
Molecular consequence: missense variant.
Genome position (GRCh38, 1-based): chr21:34,792,311, G>A on the plus strand (C>T on the coding strand, the complement: RUNX1 is on the minus strand). VCF-style: chr21-34792311-G-A. GRCh37 (hg19) VCF-style: chr21-36164608-G-A.
Other names: NM_001754.5(RUNX1):c.1267C>T; p.Arg423Cys; c.1186C>T, p.Arg396Cys (NM_001001890.3); short protein forms R423C, R396C.
Identifiers: ClinVar variation 934637 (VCV000934637.9), dbSNP rs1741971195, ClinGen allele CA410147574.

ClinVar aggregate classification (germline): Uncertain significance. Review status: reviewed by expert panel (3 of 4 stars). 3 submissions from 3 submitters: Uncertain significance (1). 2 of the submissions do not count toward it. Last evaluated 2024-08-12.

Conditions:
Inborn genetic diseases. Identifiers: MedGen C0950123, MeSH D030342.
Hereditary thrombocytopenia and hematological cancer predisposition syndrome associated with RUNX1. Also called: PLATELET DISORDER, ASPIRIN-LIKE; RUNX1 Familial Platelet Disorder with Associated Myeloid Malignancies; Familial Platelet Disorder with Propensity to Acute Myelogenous Leukemia; Familial thrombocytopenia with propensity to acute myelogenous leukemia. Identifiers: Orphanet 71290, MedGen C1832388, MeSH C563324, MONDO:0100083, OMIM 601399.
Hereditary thrombocytopenia and hematologic cancer predisposition syndrome. Identifiers: Orphanet 71290, MedGen CN281654, MONDO:0011071.

Allele frequency attached by ClinVar (database versions not stated): TOPMed below 0.00001.
gnomAD v4.1: 3 of 1,539,276 alleles (0.00019%); highest among the groups gnomAD compares: African/African-American, 0.0014%; no homozygotes.

Submissions (3):

ClinGen Myeloid Malignancy Variant Curation Expert Panel
Classification: Uncertain significance for Hereditary thrombocytopenia and hematologic cancer predisposition syndrome. Last evaluated: 2024-08-12. Review status: reviewed by expert panel. Criteria: ClinGen MyeloMalig ACMG Specifications v2. Collection method: curation. Allele origin: germline. Inheritance: Autosomal dominant inheritance.
Comment: NM_001754.5(RUNX1):c.1267C>T (p.Arg423Cys) is a missense variant which is absent from gnomAD v2 and v3 (PM2_Supporting). It has only been reported in myeloproliferative neoplasm-associated myelofibrosis (PMID: 32770086) and a stomach adenocarcinoma (PMID: 30239046), but the variant origin is unclear. The computational predictor REVEL gives a score of 0.547, which is neither above nor below the thresholds predicting a damaging or benign impact on RUNX1 function, but the splice site predictor SpliceAI indicated that the variant has no impact on splicing. In summary, this variant meets the criteria to be classified as a VUS for autosomal dominant hereditary thrombocytopenia and hematologic cancer predisposition syndrome based on the ACMG/AMP criteria applied, as specified by the ClinGen Myeloid Malignancy VCEP: PM2_Supporting.

Ambry Genetics
Classification: Uncertain significance for Inborn genetic diseases. Last evaluated: 2026-06-25. Review status: criteria provided, single submitter. Criteria: Ambry Variant Classification Scheme 2023. Collection method: clinical testing. Allele origin: germline. Not counted in ClinVar's aggregate classification.
Comment: The p.R423C variant (also known as c.1267C>T), located in coding exon 8 of the RUNX1 gene, results from a C to T substitution at nucleotide position 1267. The arginine at codon 423 is replaced by cysteine, an amino acid with highly dissimilar properties. This amino acid position is highly conserved in available vertebrate species. In addition, the in silico prediction for this alteration is inconclusive. Based on the available evidence, the clinical significance of this variant remains unclear.

Labcorp Genetics (formerly Invitae), Labcorp
Classification: Uncertain significance for Hereditary thrombocytopenia and hematological cancer predisposition syndrome associated with RUNX1. Last evaluated: 2024-05-08. Review status: criteria provided, single submitter. Criteria: Invitae Variant Classification Sherloc (09022015). Collection method: clinical testing. Allele origin: germline. Not counted in ClinVar's aggregate classification.
Comment: This sequence change replaces arginine, which is basic and polar, with cysteine, which is neutral and slightly polar, at codon 423 of the RUNX1 protein (p.Arg423Cys). This variant is not present in population databases (gnomAD no frequency). This variant has not been reported in the literature in individuals affected with RUNX1-related conditions. ClinVar contains an entry for this variant (Variation ID: 934637). Advanced modeling of protein sequence and biophysical properties (such as structural, functional, and spatial information, amino acid conservation, physicochemical variation, residue mobility, and thermodynamic stability) has been performed at Invitae for this missense variant, however the output from this modeling did not meet the statistical confidence thresholds required to predict the impact of this variant on RUNX1 protein function. In summary, the available evidence is currently insufficient to determine the role of this variant in disease. Therefore, it has been classified as a Variant of Uncertain Significance.